The following is an entry in ClinVar:

NM_006767.4(LZTR1):c.19A>C (p.Thr7Pro)

Genes: LZTR1 (leucine zipper like post translational regulator 1; plus strand), LOC130067016 (ATAC-STARR-seq lymphoblastoid silent region 13504; plus strand). Cytogenetic location: 22q11.21.
Variant type: single nucleotide variant.
Coding change: c.19A>C on transcript NM_006767.4 (MANE Select); coding-DNA position 19, A replaced by C.
Protein change: p.Thr7Pro; replaces threonine 7 with proline.
Molecular consequence: missense variant.
Genome position (GRCh38, 1-based): chr22:20,982,390, A>C. VCF-style: chr22-20982390-A-C. GRCh37 (hg19) VCF-style: chr22-21336679-A-C.
Other names: short protein forms T7P.
Identifiers: ClinVar variation 4859336 (VCV004859336.1).

ClinVar aggregate classification (germline): Uncertain significance (1 of 4 stars; one submission).

Conditions:
Cardiovascular phenotype. Identifiers: MedGen CN230736.
Hereditary cancer-predisposing syndrome. Also called: Neoplastic Syndromes, Hereditary; Tumor predisposition; Hereditary Cancer Syndrome; Hereditary neoplastic syndrome. Identifiers: Orphanet 140162, MedGen C0027672, MeSH D009386, MONDO:0015356.

Submission:

Ambry Genetics
Classification: Uncertain significance for Cardiovascular phenotype; Hereditary cancer-predisposing syndrome. Last evaluated: 2026-04-09. Review status: criteria provided, single submitter. Criteria: Ambry Variant Classification Scheme 2023. Collection method: clinical testing. Allele origin: germline.
Comment: The p.T7P variant (also known as c.19A>C), located in coding exon 1 of the LZTR1 gene, results from an A to C substitution at nucleotide position 19. The threonine at codon 7 is replaced by proline, an amino acid with highly similar properties. This amino acid position is conserved. In addition, this alteration is predicted to be tolerated by in silico analysis. Based on the available evidence, the clinical significance of this variant remains unclear.